The following is an entry in ClinVar:

ClinVar aggregate classification (germline): Uncertain significance (1 of 4 stars; one submission).

gnomAD v4.1: 4 of 1,559,838 alleles (0.00026%); highest among the groups gnomAD compares: South Asian, 0.0035%; no homozygotes.

Submission:

Labcorp Genetics (formerly Invitae), Labcorp
Classification: Uncertain significance. Last evaluated: 2025-11-24. Review status: criteria provided, single submitter. Criteria: Invitae Variant Classification Sherloc (09022015). Collection method: clinical testing. Allele origin: germline.
Comment: This sequence change replaces lysine, which is basic and polar, with arginine, which is basic and polar, at codon 503 of the CACNA1D protein (p.Lys503Arg). This variant is not present in population databases (gnomAD no frequency). This variant has not been reported in the literature in individuals affected with CACNA1D-related conditions. An algorithm developed to predict the effect of missense changes on protein structure and function (PolyPhen-2) suggests that this variant is likely to be tolerated. In summary, the available evidence is currently insufficient to determine the role of this variant in disease. Therefore, it has been classified as a Variant of Uncertain Significance.

NM_000720.4(CACNA1D):c.1508A>G (p.Lys503Arg)

Gene: CACNA1D (calcium voltage-gated channel subunit alpha1 D; plus strand). Cytogenetic location: 3p21.1.
Variant type: single nucleotide variant.
Coding change: c.1508A>G on transcript NM_000720.4 (MANE Plus Clinical); coding-DNA position 1508, A replaced by G.
Protein change: p.Lys503Arg; replaces lysine 503 with arginine.
Molecular consequence: missense variant. On other transcripts: intron variant (2).
Genome position (GRCh38, 1-based): chr3:53,718,711, A>G. VCF-style: chr3-53718711-A-G. GRCh37 (hg19) VCF-style: chr3-53752738-A-G.
Other names: c.1478+323A>G (NM_001128840.3, NM_001128839.3); short protein forms K503R.
Identifiers: ClinVar variation 4717322 (VCV004717322.1).